The following is an entry in ClinVar:

NC_000020.10:g.(?_62073739)_(62078210_?)del

Gene: KCNQ2 (potassium voltage-gated channel subfamily Q member 2; minus strand). Cytogenetic location: 20q13.33.
Variant type: Deletion.
Identifiers: ClinVar variation 1457147 (VCV001457147.8).

ClinVar aggregate classification (germline): Pathogenic (1 of 4 stars; one submission).

Conditions:
Developmental and epileptic encephalopathy. Identifiers: MedGen C5779964, MONDO:0100620.

Submission:

Labcorp Genetics (formerly Invitae), Labcorp
Classification: Pathogenic for Early-infantile DEE. Last evaluated: 2021-04-23. Review status: criteria provided, single submitter. Criteria: Invitae Variant Classification Sherloc (09022015). Collection method: clinical testing. Allele origin: germline.
Comment: For these reasons, this variant has been classified as Pathogenic. This variant has not been reported in the literature in individuals with KCNQ2-related conditions. This variant is a gross deletion of the genomic region encompassing exon(s) 2-5 of the KCNQ2 gene. This deletion is out-of-frame, and is expected to create a premature translational stop signal and result in an absent or disrupted protein product. Loss-of-function variants in KCNQ2 are known to be pathogenic (PMID: 14534157, 23692823, 27779742).

Literature cited by the submitters: PubMed 14534157; PubMed 23692823; PubMed 27779742.